The following is an entry in ClinVar:

NM_005506.4(SCARB2):c.1399-280C>T

Gene: SCARB2 (scavenger receptor class B member 2; minus strand). Cytogenetic location: 4q21.1.
Variant type: single nucleotide variant.
Coding change: c.1399-280C>T on transcript NM_005506.4 (MANE Select); 280 bases into the intron before coding-DNA position 1399, C replaced by T.
Molecular consequence: intron variant.
Genome position (GRCh38, 1-based): chr4:76,162,031, G>A on the plus strand (C>T on the coding strand, the complement: SCARB2 is on the minus strand). VCF-style: chr4-76162031-G-A. GRCh37 (hg19) VCF-style: chr4-77083184-G-A.
Other names: c.970-280C>T (NM_001204255.2).
Identifiers: ClinVar variation 668971 (VCV000668971.1), dbSNP rs72655526, ClinGen allele CA99884585.

ClinVar aggregate classification (germline): Benign (1 of 4 stars; one submission).

Allele frequency attached by ClinVar (database versions not stated): 1000 Genomes Project 0.02117; 1000 Genomes Project 30x 0.02139; TOPMed 0.03856; gnomAD 0.04034 and 0.04170; gnomAD exomes 0.04880.
gnomAD v4.1: 23,598 of 507,224 alleles (4.7%); highest among the groups gnomAD compares: Non-Finnish European, 6.2%; 706 homozygotes.

Submission:

GeneDx
Classification: Benign. Last evaluated: 2018-06-19. Review status: criteria provided, single submitter. Criteria: GeneDx Variant Classification (06012015). Collection method: clinical testing. Allele origin: germline. Affected: yes.
Comment: This variant is considered likely benign or benign based on one or more of the following criteria: it is a conservative change, it occurs at a poorly conserved position in the protein, it is predicted to be benign by multiple in silico algorithms, and/or has population frequency not consistent with disease.